The following is an entry in ClinVar:

ClinVar aggregate classification (germline): Likely pathogenic (1 of 4 stars; one submission).

Conditions:
Rapp-Hodgkin syndrome (RHS). Also called: Isolated Cleft Lip/Cleft Palate (Orofacial Cleft 8); ECTODERMAL DYSPLASIA, ANHIDROTIC, WITH CLEFT LIP/PALATE; Rapp-Hodgkin ectodermal dysplasia syndrome. Identifiers: MedGen C1785148, MONDO:0007508, OMIM 129400.

Submission:

Victorian Clinical Genetics Services, Murdoch Childrens Research Institute
Classification: Likely pathogenic for Rapp-Hodgkin syndrome. Last evaluated: 2024-10-09. Review status: criteria provided, single submitter. Criteria: ACMG Guidelines, 2015. Collection method: clinical testing. Allele origin: germline. Inheritance: Autosomal dominant inheritance. Affected: yes.
Comment: Based on the classification scheme VCGS_Germline_v1.3.4, this variant is classified as Likely pathogenic. Following criteria are met: 0103 - Dominant negative, loss of function and gain of function are known mechanisms of disease in this gene. Dominant negative is associated with ectrodactyly, ectodermal dysplasia, and cleft lip/palate syndrome 3 (MIM#604292), limb-mammary syndrome (MIM#603543) and Rapp-Hodgkin syndrome (MIM#129400; ankyloblepharon‑ectodermal defects‑cleft lip/palate syndrome (AEC)). While gain of function is associated with ADULT syndrome (MIM#103285), and loss of function is likely associated with orofacial cleft 8 (MIM#618149) (PMIDs: 20556892, 32476291, 29620206). (I) 0107 - This gene is associated with autosomal dominant disease. (I) 0112 - The condition associated with this gene has incomplete penetrance. Reduced penetrance has been reported for ADULT syndrome (MIM#103285) and split-hand/foot malformation 4 (MIM#605289) (PMID: 20556892). (I) 0115 - Variants in this gene are known to have variable expressivity. TP63-related conditions are known to have wide phenotypic variability even among members of the same family (PMIDs: 20556892, 32476291, 29620206). (I) 0200 - Variant is predicted to result in a missense amino acid change from isoleucine to asparagine. (I) 0251 - This variant is heterozygous. (I) 0301 - Variant is absent from gnomAD (both v2 and v3). (SP) 0502 - Missense variant with conflicting in silico predictions and uninformative conservation. (I) 0600 - Variant is located in the annotated SAM domain (DECIPHER). (I) 0703 - Another missense variant comparable to the one identified in this case has moderate previous evidence for pathogenicity. p.(Ile549Thr) has been previously reported de novo in an individual with ankyloblepharon-ectodermal defects and cleft lip and palate syndrome and an individual with Rapp-Hodgkin syndrome (PMID: 15200513). (SP) 0807 - This variant has no previous evidence of pathogenicity. (I) 0905 - No published segregation evidence has been identified for this variant. (I) 1007 - No published functional evidence has been identified for this variant. (I) 1101 - Very strong and specific phenotype match for this individual. (SP) Legend: (SP) - Supporting pathogenic, (I) - Information, (SB) - Supporting benign

Literature cited by the submitters: PubMed 20556892; PubMed 29620206; PubMed 32476291; PubMed 15200513.

NM_003722.5(TP63):c.1646T>A (p.Ile549Asn)

Gene: TP63 (tumor protein p63; plus strand). Cytogenetic location: 3q28.
Variant type: single nucleotide variant.
Coding change: c.1646T>A on transcript NM_003722.5 (MANE Select); coding-DNA position 1646, T replaced by A.
Protein change: p.Ile549Asn; replaces isoleucine 549 with asparagine.
Molecular consequence: missense variant. On other transcripts: intron variant (4).
Genome position (GRCh38, 1-based): chr3:189,889,478, T>A. VCF-style: chr3-189889478-T-A. GRCh37 (hg19) VCF-style: chr3-189607267-T-A.
Other names: c.1646T>A, p.Ile549Asn (NM_001114978.2); c.1364T>A, p.Ile455Asn (NM_001114980.2, NM_001114981.2); c.1109T>A, p.Ile370Asn (NM_001329146.2); c.1634T>A, p.Ile545Asn (NM_001329148.2); c.1640T>A, p.Ile547Asn (NM_001329964.2); c.1507+2927T>A (NM_001329144.2); c.1225+2927T>A (NM_001329145.2); c.1213+2927T>A (NM_001329149.2); and 1 more; short protein forms I370N, I455N, I545N, I547N, I549N.
Identifiers: ClinVar variation 3377066 (VCV003377066.1).